The following is an entry in ClinVar:

NM_004565.3(PEX14):c.1131C>T (p.Asp377=)

Gene: PEX14 (peroxisomal biogenesis factor 14; plus strand). Cytogenetic location: 1p36.22.
Variant type: single nucleotide variant.
Coding change: c.1131C>T on transcript NM_004565.3 (MANE Select); coding-DNA position 1131, C replaced by T.
Protein change: p.Asp377=; no amino-acid change (aspartic acid 377 retained).
Molecular consequence: synonymous variant.
Genome position (GRCh38, 1-based): chr1:10,629,984, C>T. VCF-style: chr1-10629984-C-T. GRCh37 (hg19) VCF-style: chr1-10690041-C-T.
Other names: c.1131C>T (NM_004565.2).
Identifiers: ClinVar variation 1590739 (VCV001590739.10), dbSNP rs2124651209, ClinGen allele CA416034673.

ClinVar aggregate classification (germline): Likely benign. Review status: criteria provided, multiple submitters, no conflicts (2 of 4 stars). 3 submissions from 3 submitters: Likely benign (3). Last evaluated 2026-04-27.

Conditions:
PEX14-related disorder. Also called: PEX14-related condition.
Peroxisome biogenesis disorder, complementation group K (CGK). Identifiers: MedGen C1866257, MONDO:0800365.

Allele frequency attached by ClinVar (database versions not stated): gnomAD exomes 0.00001.

Submissions (3):

PreventionGenetics, part of Exact Sciences
Classification: Likely benign for PEX14-related condition. Last evaluated: 2026-04-27. Review status: criteria provided, single submitter. Criteria: ACMG Guidelines, 2015. Collection method: clinical testing. Allele origin: germline.
Comment: This variant is classified as likely benign based on ACMG/AMP sequence variant interpretation guidelines (Richards et al. 2015 PMID: 25741868, with internal and published modifications).

Labcorp Genetics (formerly Invitae), Labcorp
Classification: Likely benign for Peroxisome biogenesis disorder, complementation group K. Last evaluated: 2025-12-24. Review status: criteria provided, single submitter. Criteria: Invitae Variant Classification Sherloc (09022015). Collection method: clinical testing. Allele origin: germline.

Blueprint Genetics
Classification: Likely benign. Last evaluated: 2024-04-15. Review status: criteria provided, single submitter. Criteria: ACMG Guidelines, 2015. Collection method: clinical testing. Allele origin: germline.